The following is an entry in ClinVar:

ClinVar aggregate classification (germline): Uncertain significance (1 of 4 stars; one submission).

gnomAD v4.1: 3 of 1,510,236 alleles (0.0002%); highest among the groups gnomAD compares: Non-Finnish European, 0.00026%; no homozygotes.

Submission:

Labcorp Genetics (formerly Invitae), Labcorp
Classification: Uncertain significance. Last evaluated: 2025-01-01. Review status: criteria provided, single submitter. Criteria: Invitae Variant Classification Sherloc (09022015). Collection method: clinical testing. Allele origin: germline.
Comment: This sequence change replaces glycine, which is neutral and non-polar, with arginine, which is basic and polar, at codon 5 of the NEFH protein (p.Gly5Arg). This variant is not present in population databases (gnomAD no frequency). This missense change has been observed in individual(s) with clinical features of NEFH-related conditions (internal data). Invitae Evidence Modeling of protein sequence and biophysical properties (such as structural, functional, and spatial information, amino acid conservation, physicochemical variation, residue mobility, and thermodynamic stability) indicates that this missense variant is not expected to disrupt NEFH protein function with a negative predictive value of 95%. In summary, the available evidence is currently insufficient to determine the role of this variant in disease. Therefore, it has been classified as a Variant of Uncertain Significance.

NM_021076.4(NEFH):c.13G>C (p.Gly5Arg)

Gene: NEFH (neurofilament heavy chain; plus strand). Cytogenetic location: 22q12.2.
Variant type: single nucleotide variant.
Coding change: c.13G>C on transcript NM_021076.4 (MANE Select); coding-DNA position 13, G replaced by C.
Protein change: p.Gly5Arg; replaces glycine 5 with arginine.
Molecular consequence: missense variant.
Genome position (GRCh38, 1-based): chr22:29,480,275, G>C. VCF-style: chr22-29480275-G-C. GRCh37 (hg19) VCF-style: chr22-29876264-G-C.
Other names: short protein forms G5R.
Identifiers: ClinVar variation 3677297 (VCV003677297.2).